The following is an entry in ClinVar:

NM_020778.5(ALPK3):c.2896CTG[2] (p.Leu968del)

Gene: ALPK3 (alpha kinase 3; plus strand). Cytogenetic location: 15q25.3.
Variant type: Microsatellite.
Coding change: c.2896CTG[2] on transcript NM_020778.5 (MANE Select); two copies in a row of the 3-base unit CTG starting at c.2896; the reference has three copies in a row; one copy, 3 bases deleted.
Protein change: p.Leu968del; deletes leucine 968.
Molecular consequence: inframe deletion.
Genome position (GRCh38, 1-based): chr15:84,857,640-84,857,642, CTG deleted; deleting any 3 consecutive bases within chr15:84,857,634-84,857,642 gives the same sequence; the position shown is the placement nearest the transcript's 3' end. VCF-style (leftmost placement, unchanged base first): chr15-84857633-TCTG-T. GRCh37 (hg19) VCF-style: chr15-85400864-TCTG-T.
Other names: short protein forms L968del.
Identifiers: ClinVar variation 1732128 (VCV001732128.7), dbSNP rs763311605, ClinGen allele CA7709515.

ClinVar aggregate classification (germline): Uncertain significance. Review status: criteria provided, multiple submitters, no conflicts (2 of 4 stars). 2 submissions from 2 submitters: Uncertain significance (2). Last evaluated 2025-12-08.

Conditions:
Cardiovascular phenotype. Identifiers: MedGen CN230736.

Submissions (2):

Labcorp Genetics (formerly Invitae), Labcorp
Classification: Uncertain significance. Last evaluated: 2025-12-08. Review status: criteria provided, single submitter. Criteria: Invitae Variant Classification Sherloc (09022015). Collection method: clinical testing. Allele origin: germline.
Comment: This variant, c.3508_3510del, results in the deletion of 1 amino acid(s) of the ALPK3 protein (p.Leu1170del), but otherwise preserves the integrity of the reading frame. This variant is present in population databases (rs763311605, gnomAD 0.03%). This variant has not been reported in the literature in individuals affected with ALPK3-related conditions. Experimental studies and prediction algorithms are not available or were not evaluated, and the functional significance of this variant is currently unknown. In summary, the available evidence is currently insufficient to determine the role of this variant in disease. Therefore, it has been classified as a Variant of Uncertain Significance.

Ambry Genetics
Classification: Uncertain significance for Cardiovascular phenotype. Last evaluated: 2022-08-11. Review status: criteria provided, single submitter. Criteria: Ambry Variant Classification Scheme 2023. Collection method: clinical testing. Allele origin: germline.
Comment: The c.3508_3510delCTG variant (also known as p.L1170del) is located in coding exon 6 of the ALPK3 gene. This variant results from an in-frame CTG deletion at nucleotide positions 3508 to 3510. This results in the in-frame deletion of a leucine at codon 1170. This amino acid position is well conserved in available vertebrate species. Since supporting evidence is limited at this time, the clinical significance of this alteration remains unclear.